The following is an entry in ClinVar:

NM_001122769.3(LCA5):c.1062C>T (p.Tyr354=)

Gene: LCA5 (lebercilin LCA5; minus strand). Cytogenetic location: 6q14.1.
Variant type: single nucleotide variant.
Coding change: c.1062C>T on transcript NM_001122769.3 (MANE Select); coding-DNA position 1062, C replaced by T.
Protein change: p.Tyr354=; no amino-acid change (tyrosine 354 retained).
Molecular consequence: synonymous variant.
Genome position (GRCh38, 1-based): chr6:79,491,624, G>A on the plus strand (C>T on the coding strand, the complement: LCA5 is on the minus strand). VCF-style: chr6-79491624-G-A. GRCh37 (hg19) VCF-style: chr6-80201341-G-A.
Other names: c.1062C>T, p.Tyr354= (NM_181714.4).
Identifiers: ClinVar variation 909236 (VCV000909236.14), dbSNP rs183261547, ClinGen allele CA3900952.

ClinVar aggregate classification (germline): Conflicting classifications of pathogenicity. Review status: criteria provided, conflicting classifications (1 of 4 stars). 4 submissions from 4 submitters: Uncertain significance (1); Likely benign (3). Last evaluated 2025-03-18.

Conditions:
Leber congenital amaurosis 5 (LCA5). Also called: Amaurosis congenita of Leber, type 5. Identifiers: Orphanet 65, MedGen C1858301, MONDO:0011473, OMIM 604537.
LCA5-related disorder. Also called: LCA5-related condition.

Allele frequency attached by ClinVar (database versions not stated): TOPMed 0.00001; gnomAD 0.00002 and 0.00003; gnomAD exomes 0.00003; ExAC 0.00004; 1000 Genomes Project 30x 0.00031; 1000 Genomes Project 0.00040.
gnomAD v4.1: 62 of 1,612,906 alleles (0.0038%); highest among the groups gnomAD compares: Middle Eastern, 0.099%; no homozygotes.

Submissions (4):

PreventionGenetics, part of Exact Sciences
Classification: Likely benign for LCA5-related condition. Last evaluated: 2025-03-18. Review status: criteria provided, single submitter. Criteria: ACMG Guidelines, 2015. Collection method: clinical testing. Allele origin: germline.
Comment: This variant is classified as likely benign based on ACMG/AMP sequence variant interpretation guidelines (Richards et al. 2015 PMID: 25741868, with internal and published modifications).

Labcorp Genetics (formerly Invitae), Labcorp
Classification: Likely benign. Last evaluated: 2024-09-21. Review status: criteria provided, single submitter. Criteria: Invitae Variant Classification Sherloc (09022015). Collection method: clinical testing. Allele origin: germline.

Blueprint Genetics
Classification: Likely benign. Last evaluated: 2024-05-10. Review status: criteria provided, single submitter. Criteria: ACMG Guidelines, 2015. Collection method: clinical testing. Allele origin: germline.

Illumina Laboratory Services, Illumina
Classification: Uncertain significance for Leber congenital amaurosis 5. Last evaluated: 2017-04-27. Review status: criteria provided, single submitter. Criteria: ICSL Variant Classification Criteria 13 December 2019. Collection method: clinical testing. Allele origin: germline.